The following is an entry in ClinVar:

ClinVar aggregate classification (germline): Uncertain significance (1 of 4 stars; one submission).

Conditions:
Familial cancer of breast. Also called: hereditary breast carcinoma; Hereditary breast cancer; BREAST CANCER, FAMILIAL. Identifiers: Orphanet 227535, MedGen C0346153, MONDO:0016419, OMIM 114480. Disease mechanism: loss of function.

Submission:

Labcorp Genetics (formerly Invitae), Labcorp
Classification: Uncertain significance for Familial cancer of breast. Last evaluated: 2025-07-14. Review status: criteria provided, single submitter. Criteria: Invitae Variant Classification Sherloc (09022015). Collection method: clinical testing. Allele origin: germline.
Comment: This sequence change replaces phenylalanine, which is neutral and non-polar, with cysteine, which is neutral and slightly polar, at codon 164 of the PALB2 protein (p.Phe164Cys). This variant is not present in population databases (gnomAD no frequency). This variant has not been reported in the literature in individuals affected with PALB2-related conditions. ClinVar contains an entry for this variant (Variation ID: 2805722). An algorithm developed to predict the effect of missense changes on protein structure and function outputs the following: PolyPhen-2: "Benign". The cysteine amino acid residue is found in multiple mammalian species, which suggests that this missense change does not adversely affect protein function. In summary, the available evidence is currently insufficient to determine the role of this variant in disease. Therefore, it has been classified as a Variant of Uncertain Significance.

NM_024675.4(PALB2):c.491T>G (p.Phe164Cys)

Gene: PALB2 (partner and localizer of BRCA2; minus strand). Cytogenetic location: 16p12.2.
Variant type: single nucleotide variant.
Coding change: c.491T>G on transcript NM_024675.4 (MANE Select); coding-DNA position 491, T replaced by G.
Protein change: p.Phe164Cys; replaces phenylalanine 164 with cysteine.
Molecular consequence: missense variant. On other transcripts: 5 prime UTR variant (8), intron variant (3).
Genome position (GRCh38, 1-based): chr16:23,636,055, A>C on the plus strand (T>G on the coding strand, the complement: PALB2 is on the minus strand). VCF-style: chr16-23636055-A-C. GRCh37 (hg19) VCF-style: chr16-23647376-A-C.
Other names: c.431T>G, p.Phe144Cys (NM_001407296.1); c.491T>G, p.Phe164Cys (NM_001407297.1, NM_001407298.1, NM_001407299.1 and 3 more transcripts); c.-395T>G (NM_001407304.1, NM_001407305.1, NM_001407306.1 and 5 more transcripts); c.48+5055T>G (NM_001407314.1); c.-105+5055T>G (NM_001407313.1, NM_001407312.1); short protein forms F144C, F164C.
Identifiers: ClinVar variation 2805722 (VCV002805722.3), dbSNP rs2142442158, ClinGen allele CA395137077.